The following is an entry in ClinVar:

NC_000022.10:g.(?_36651002)_(36712734_?)dup

Genes: APOL1 (apolipoprotein L1; plus strand), MYH9 (myosin heavy chain 9; minus strand). Cytogenetic location: 22q12.3.
Variant type: Duplication.
Identifiers: ClinVar variation 3248098 (VCV003248098.1).

ClinVar aggregate classification (germline): Uncertain significance (1 of 4 stars; one submission).

Submission:

Labcorp Genetics (formerly Invitae), Labcorp
Classification: Uncertain significance. Last evaluated: 2024-01-04. Review status: criteria provided, single submitter. Criteria: Invitae Variant Classification Sherloc (09022015). Collection method: clinical testing. Allele origin: unknown.
Comment: This variant results in a copy number gain of the genomic region encompassing exon(s) 12-41 of the MYH9 gene. This region includes the termination codon of the gene. This copy number gain extends beyond the assayed region for this gene and therefore may encompass additional genes. As the precise location of this event is unknown, it may be in tandem or it may be located elsewhere in the genome. This variant has not been reported in the literature in individuals affected with MYH9-related conditions. Experimental studies and prediction algorithms are not available or were not evaluated, and the functional significance of this variant is currently unknown. In summary, the available evidence is currently insufficient to determine the role of this variant in disease. Therefore, it has been classified as a Variant of Uncertain Significance.